The following is an entry in ClinVar:

NM_198428.3(BBS9):c.196G>A (p.Glu66Lys)

Gene: BBS9 (Bardet-Biedl syndrome 9; plus strand). Cytogenetic location: 7p14.3.
Variant type: single nucleotide variant.
Coding change: c.196G>A on transcript NM_198428.3 (MANE Select); coding-DNA position 196, G replaced by A.
Protein change: p.Glu66Lys; replaces glutamic acid 66 with lysine.
Molecular consequence: missense variant. On other transcripts: 5 prime UTR variant (4), non-coding transcript variant (3), intron variant (2).
Genome position (GRCh38, 1-based): chr7:33,152,784, G>A. VCF-style: chr7-33152784-G-A. GRCh37 (hg19) VCF-style: chr7-33192396-G-A.
Other names: c.-106G>A (NM_001348045.3, NM_001348037.3); c.196G>A, p.Glu66Lys (NM_001362679.1, NM_001412127.2, NM_001412128.2 and 7 more transcripts); c.-39+22743G>A (NM_001348046.3, NM_001348044.3); c.-82G>A (NM_001348038.3, NM_001348039.3); c.61G>A, p.Glu21Lys (NM_001348042.3); short protein forms E21K, E66K.
Identifiers: ClinVar variation 1920447 (VCV001920447.2), dbSNP rs773577974, ClinGen allele CA4213897.

ClinVar aggregate classification (germline): Uncertain significance (1 of 4 stars; one submission).

Conditions:
Bardet-Biedl syndrome (BBS). Identifiers: Orphanet 110, MedGen C0752166, MONDO:0015229.

gnomAD v4.1: 12 of 1,613,530 alleles (0.00074%); highest among the groups gnomAD compares: South Asian, 0.0066%; no homozygotes.

Submission:

Labcorp Genetics (formerly Invitae), Labcorp
Classification: Uncertain significance for Bardet-Biedl syndrome. Last evaluated: 2021-12-19. Review status: criteria provided, single submitter. Criteria: Invitae Variant Classification Sherloc (09022015). Collection method: clinical testing. Allele origin: germline.
Comment: This sequence change replaces glutamic acid, which is acidic and polar, with lysine, which is basic and polar, at codon 66 of the BBS9 protein (p.Glu66Lys). This variant is present in population databases (rs773577974, gnomAD 0.01%). This variant has not been reported in the literature in individuals affected with BBS9-related conditions. Algorithms developed to predict the effect of missense changes on protein structure and function are either unavailable or do not agree on the potential impact of this missense change (SIFT: "Deleterious"; PolyPhen-2: "Benign"; Align-GVGD: "Class C55"). In summary, the available evidence is currently insufficient to determine the role of this variant in disease. Therefore, it has been classified as a Variant of Uncertain Significance.